The following is an entry in ClinVar:

ClinVar aggregate classification (germline): Likely benign. Review status: criteria provided, multiple submitters, no conflicts (2 of 4 stars). 3 submissions from 3 submitters: Likely benign (3). Last evaluated 2024-04-29.

Conditions:
Hereditary cancer-predisposing syndrome. Also called: Tumor predisposition; Hereditary Cancer Syndrome; Hereditary neoplastic syndrome; Neoplastic Syndromes, Hereditary. Identifiers: Orphanet 140162, MedGen C0027672, MeSH D009386, MONDO:0015356.
Neurofibromatosis, type 2 (SWNV). Also called: BILATERAL ACOUSTIC NEUROFIBROMATOSIS; NF2-Related Schwannomatosis; SCHWANNOMATOSIS, VESTIBULAR. Identifiers: Orphanet 637, MedGen C0027832, MONDO:0007039, OMIM 101000. Disease mechanism: loss of function.

Allele frequency attached by ClinVar (database versions not stated): TOPMed below 0.00001; gnomAD 0.00001.
gnomAD v4.1: 1 of 1,614,122 alleles (0.000062%); highest among the groups gnomAD compares: Non-Finnish European, 0.000085%; no homozygotes.

Submissions (3):

Labcorp Genetics (formerly Invitae), Labcorp
Classification: Likely benign for Neurofibromatosis, type 2. Last evaluated: 2024-04-29. Review status: criteria provided, single submitter. Criteria: Invitae Variant Classification Sherloc (09022015). Collection method: clinical testing. Allele origin: germline.

All of Us Research Program, National Institutes of Health
Classification: Likely benign for Neurofibromatosis, type 2. Last evaluated: 2023-10-23. Review status: criteria provided, single submitter. Criteria: ACMG Guidelines, 2015. Collection method: clinical testing. Allele origin: germline. Inheritance: Autosomal dominant inheritance. Observed: 1 variant allele, 1 heterozygote.
Comment: This study involves interpretation of variants in research participants for the purpose of population health screening. Participant phenotype was not available at the time of variant classification. Additional details can be found in publication PMID: 35346344, PMCID: PMC8962531

Ambry Genetics
Classification: Likely benign for Hereditary cancer-predisposing syndrome. Last evaluated: 2021-03-08. Review status: criteria provided, single submitter. Criteria: Ambry Variant Classification Scheme 2023. Collection method: clinical testing. Allele origin: germline.

NM_000268.4(NF2):c.687C>A (p.Gly229=)

Gene: NF2 (NF2, moesin-ezrin-radixin like (MERLIN) tumor suppressor; plus strand). Cytogenetic location: 22q12.2.
Variant type: single nucleotide variant.
Coding change: c.687C>A on transcript NM_000268.4 (MANE Select); coding-DNA position 687, C replaced by A.
Protein change: p.Gly229=; no amino-acid change (glycine 229 retained).
Molecular consequence: synonymous variant. On other transcripts: non-coding transcript variant (1), intron variant (1).
Genome position (GRCh38, 1-based): chr22:29,661,216, C>A. VCF-style: chr22-29661216-C-A. GRCh37 (hg19) VCF-style: chr22-30057205-C-A.
Other names: c.687C>A, p.Gly229= (NM_016418.5, NM_181825.3, NM_181832.3); c.561C>A, p.Gly187= (NM_181828.3); c.564C>A, p.Gly188= (NM_181829.3); c.438C>A, p.Gly146= (NM_181830.3, NM_181831.3); c.447+18931C>A (NM_181833.3).
Identifiers: ClinVar variation 1138852 (VCV001138852.12), dbSNP rs1339795250, ClinGen allele CA514183082.